The following is an entry in ClinVar:

ClinVar aggregate classification (germline): Uncertain significance (1 of 4 stars; one submission).

Submission:

Ambry Genetics
Classification: Uncertain significance. Last evaluated: 2021-12-10. Review status: criteria provided, single submitter. Criteria: Ambry Variant Classification Scheme 2023. Collection method: clinical testing. Allele origin: germline.
Comment: The p.Q1358H variant (also known as c.4074G>T), located in coding exon 17 of the NPAT gene, results from a G to T substitution at nucleotide position 4074. The glutamine at codon 1358 is replaced by histidine, an amino acid with highly similar properties. This amino acid position is conserved. In addition, this alteration is predicted to be tolerated by in silico analysis. Since supporting evidence is limited at this time, the clinical significance of this alteration remains unclear.

NM_002519.3(NPAT):c.4074G>T (p.Gln1358His)

Gene: NPAT (nuclear protein, coactivator of histone transcription; minus strand). Cytogenetic location: 11q22.3.
Variant type: single nucleotide variant.
Coding change: c.4074G>T on transcript NM_002519.3 (MANE Select); coding-DNA position 4074, G replaced by T.
Protein change: p.Gln1358His; replaces glutamine 1358 with histidine.
Molecular consequence: missense variant.
Genome position (GRCh38, 1-based): chr11:108,161,012, C>A on the plus strand (G>T on the coding strand, the complement: NPAT is on the minus strand). VCF-style: chr11-108161012-C-A. GRCh37 (hg19) VCF-style: chr11-108031739-C-A.
Other names: c.4095G>T, p.Gln1365His (NM_001321307.1); short protein forms Q1358H, Q1365H.
Identifiers: ClinVar variation 1737574 (VCV001737574.2), dbSNP rs372481541, ClinGen allele CA382509428.